The following is an entry in ClinVar:

NM_001370259.2(MEN1):c.1730T>C (p.Leu577Pro)

Gene: MEN1 (menin 1; minus strand). Cytogenetic location: 11q13.1.
Variant type: single nucleotide variant.
Coding change: c.1730T>C on transcript NM_001370259.2 (MANE Select); coding-DNA position 1730, T replaced by C.
Protein change: p.Leu577Pro; replaces leucine 577 with proline.
Molecular consequence: missense variant.
Genome position (GRCh38, 1-based): chr11:64,804,437, A>G on the plus strand (T>C on the coding strand, the complement: MEN1 is on the minus strand). VCF-style: chr11-64804437-A-G. GRCh37 (hg19) VCF-style: chr11-64571909-A-G.
Other names: p.L577P:CTG>CCG; c.1745T>C, p.Leu582Pro (NM_130803.3, NM_130804.3, NM_000244.4 and 3 more transcripts); c.1856T>C, p.Leu619Pro (NM_001370251.2); c.1730T>C, p.Leu577Pro (NM_001370260.2, NM_001370261.2, NM_130799.3); c.1625T>C, p.Leu542Pro (NM_001370262.2, NM_001370263.2); short protein forms L577P, L582P, L619P, L542P.
Identifiers: ClinVar variation 200991 (VCV000200991.13), dbSNP rs794728634, ClinGen allele CA009298.

ClinVar aggregate classification (germline): Conflicting classifications of pathogenicity. Review status: criteria provided, conflicting classifications (1 of 4 stars). 3 submissions from 3 submitters: Likely pathogenic (2); Uncertain significance (1). Last evaluated 2025-04-30.

Conditions:
Hereditary cancer-predisposing syndrome. Also called: Hereditary Cancer Syndrome; Tumor predisposition; Hereditary neoplastic syndrome; Neoplastic Syndromes, Hereditary. Identifiers: Orphanet 140162, MedGen C0027672, MeSH D009386, MONDO:0015356.
Multiple endocrine neoplasia, type 1 (MEN1). Also called: MEA I; MEN I; WERMER SYNDROME; Endocrine adenomatosis multiple; MEN 1. Identifiers: Orphanet 652, MedGen C0025267, MeSH D018761, MONDO:0007540, OMIM 131100.

Submissions (3):

Ambry Genetics
Classification: Likely pathogenic for Hereditary cancer-predisposing syndrome. Last evaluated: 2025-04-30. Review status: criteria provided, single submitter. Criteria: Ambry Variant Classification Scheme 2023. Collection method: clinical testing. Allele origin: germline.
Comment: The p.L577P variant (also known as c.1730T>C), located in coding exon 9 of the MEN1 gene, results from a T to C substitution at nucleotide position 1730. The leucine at codon 577 is replaced by proline, an amino acid with similar properties. This variant was reported in individual(s) with features consistent with Multiple Endocrine Neoplasia Type 1 (MEN1) (Ambry internal data; external communication). This amino acid position is highly conserved in available vertebrate species. In addition, this alteration is predicted to be deleterious by in silico analysis. Based on internal structural analysis, this variant results in a decrease in structural stability (Huang J et al., Nature 2012 Feb; 482(7386):542-6). This variant is considered to be rare based on population cohorts in the Genome Aggregation Database (gnomAD). Based on the majority of available evidence to date, this variant is likely to be pathogenic.

Labcorp Genetics (formerly Invitae), Labcorp
Classification: Uncertain significance for Multiple endocrine neoplasia, type 1. Last evaluated: 2020-11-21. Review status: criteria provided, single submitter. Criteria: Invitae Variant Classification Sherloc (09022015). Collection method: clinical testing. Allele origin: germline.
Comment: In summary, the available evidence is currently insufficient to determine the role of this variant in disease. Therefore, it has been classified as a Variant of Uncertain Significance. Advanced modeling of protein sequence and biophysical properties (such as structural, functional, and spatial information, amino acid conservation, physicochemical variation, residue mobility, and thermodynamic stability) performed at Invitae indicates that this missense variant is expected to disrupt MEN1 protein function. This sequence change replaces leucine with proline at codon 577 of the MEN1 protein (p.Leu577Pro). The leucine residue is highly conserved and there is a moderate physicochemical difference between leucine and proline. This variant is not present in population databases (ExAC no frequency). This variant has not been reported in the literature in individuals with MEN1-related conditions. ClinVar contains an entry for this variant (Variation ID: 200991).

GeneDx
Classification: Likely pathogenic. Last evaluated: 2016-08-30. Review status: criteria provided, single submitter. Criteria: GeneDx Variant Classification (06012015). Collection method: clinical testing. Allele origin: germline. Affected: yes.
Comment: The L577P variant has not been published as a pathogenic variant, nor has it been reported as a benign polymorphism to our knowledge. The L577P variant was not observed in approximately 6,500 individuals of European and African American ancestry in the NHLBI Exome Sequencing Project, indicating it is not a common benign variant in these populations. L577P is a semi-conservative amino acid substitution, which may impact secondary protein structure as these residues differ in some properties. A missense variant in nearby residue (L579P) have been reported in the literature in association with MEN1. This substitution occurs at a position that is conserved across species, and in silico analysis predicts this variant is probably damaging to the protein structure/function. Based on currently available evidence, L577P is a strong candidate for a pathogenic variant. However, the possibility it may be a rare benign variant cannot be excluded.

Literature cited by the submitters: PubMed 22327296 (cited by Ambry Genetics).